The following is an entry in ClinVar:

NM_001105206.3(LAMA4):c.5143G>C (p.Asp1715His)

Gene: LAMA4 (laminin subunit alpha 4; minus strand). Cytogenetic location: 6q21.
Variant type: single nucleotide variant.
Coding change: c.5143G>C on transcript NM_001105206.3 (MANE Select); coding-DNA position 5143, G replaced by C.
Protein change: p.Asp1715His; replaces aspartic acid 1715 with histidine.
Molecular consequence: missense variant.
Genome position (GRCh38, 1-based): chr6:112,114,726, C>G on the plus strand (G>C on the coding strand, the complement: LAMA4 is on the minus strand). VCF-style: chr6-112114726-C-G. GRCh37 (hg19) VCF-style: chr6-112435929-C-G.
Other names: c.5122G>C, p.Asp1708His (NM_001105207.3, NM_002290.5); short protein forms D1715H, D1708H.
Identifiers: ClinVar variation 3536948 (VCV003536948.3).

ClinVar aggregate classification (germline): Uncertain significance. Review status: criteria provided, multiple submitters, no conflicts (2 of 4 stars). 2 submissions from 2 submitters: Uncertain significance (2). Last evaluated 2025-08-17.

Conditions:
Dilated cardiomyopathy 1JJ (CMD1JJ). Identifiers: Orphanet 154, MedGen C3808935, MONDO:0014095, OMIM 615235.
Cardiovascular phenotype. Identifiers: MedGen CN230736.

gnomAD v4.1: 2 of 1,612,548 alleles (0.00012%); highest among the groups gnomAD compares: Non-Finnish European, 0.00017%; no homozygotes.

Submissions (2):

Labcorp Genetics (formerly Invitae), Labcorp
Classification: Uncertain significance for Dilated cardiomyopathy 1JJ. Last evaluated: 2025-08-17. Review status: criteria provided, single submitter. Criteria: Invitae Variant Classification Sherloc (09022015). Collection method: clinical testing. Allele origin: germline.
Comment: This sequence change replaces aspartic acid, which is acidic and polar, with histidine, which is basic and polar, at codon 1708 of the LAMA4 protein (p.Asp1708His). This variant is not present in population databases (gnomAD no frequency). This variant has not been reported in the literature in individuals affected with LAMA4-related conditions. ClinVar contains an entry for this variant (Variation ID: 3536948). Invitae Evidence Modeling of protein sequence and biophysical properties (such as structural, functional, and spatial information, amino acid conservation, physicochemical variation, residue mobility, and thermodynamic stability) indicates that this missense variant is not expected to disrupt LAMA4 protein function with a negative predictive value of 80%. In summary, the available evidence is currently insufficient to determine the role of this variant in disease. Therefore, it has been classified as a Variant of Uncertain Significance.

Ambry Genetics
Classification: Uncertain significance for Cardiovascular phenotype. Last evaluated: 2025-05-16. Review status: criteria provided, single submitter. Criteria: Ambry Variant Classification Scheme 2023. Collection method: clinical testing. Allele origin: germline.